The following is an entry in ClinVar:

NM_144670.6(A2ML1):c.4221+6T>G

Gene: A2ML1 (alpha-2-macroglobulin like 1; plus strand). Cytogenetic location: 12p13.31.
Variant type: single nucleotide variant.
Coding change: c.4221+6T>G on transcript NM_144670.6 (MANE Select); 6 bases into the intron after coding-DNA position 4221, T replaced by G.
Molecular consequence: intron variant.
Genome position (GRCh38, 1-based): chr12:8,869,209, T>G. VCF-style: chr12-8869209-T-G. GRCh37 (hg19) VCF-style: chr12-9021805-T-G.
Other names: c.2748+6T>G (NM_001282424.3).
Identifiers: ClinVar variation 3015138 (VCV003015138.3), dbSNP rs747633425, ClinGen allele CA6436628.
Genomic context (GRCh38, chr12:8,869,209, plus strand): 5'-CCTGGTGAAGAAGGTTGAATTTGGAACTGACACACTTAACATTTACTTGGATGAGGTAGG[T>G]ATTCAGGAACCAGATCAAAGAGCTGGATTGCTTACGGATCTTCATGACTTCCCTTCTAAT-3'

ClinVar aggregate classification (germline): Uncertain significance (1 of 4 stars; one submission).

Allele frequency attached by ClinVar (database versions not stated): TOPMed below 0.00001; gnomAD 0.00001; gnomAD exomes 0.00001; ExAC 0.00002.
gnomAD v4.1: 11 of 1,613,818 alleles (0.00068%); highest among the groups gnomAD compares: South Asian, 0.0077%; no homozygotes.

Submission:

Labcorp Genetics (formerly Invitae), Labcorp
Classification: Uncertain significance. Last evaluated: 2024-11-11. Review status: criteria provided, single submitter. Criteria: Invitae Variant Classification Sherloc (09022015). Collection method: clinical testing. Allele origin: germline.
Comment: This sequence change falls in intron 33 of the A2ML1 gene. It does not directly change the encoded amino acid sequence of the A2ML1 protein. It affects a nucleotide within the consensus splice site. This variant is present in population databases (rs747633425, gnomAD 0.006%). This variant has not been reported in the literature in individuals affected with A2ML1-related conditions. ClinVar contains an entry for this variant (Variation ID: 3015138). Variants that disrupt the consensus splice site are a relatively common cause of aberrant splicing (PMID: 17576681, 9536098). Algorithms developed to predict the effect of sequence changes on RNA splicing suggest that this variant is not likely to affect RNA splicing. In summary, the available evidence is currently insufficient to determine the role of this variant in disease. Therefore, it has been classified as a Variant of Uncertain Significance.

Literature cited by the submitters: PubMed 17576681; PubMed 9536098.